The following is an entry in ClinVar:

ClinVar aggregate classification (germline): Uncertain significance. Review status: criteria provided, multiple submitters, no conflicts (2 of 4 stars). 2 submissions from 2 submitters: Uncertain significance (2). Last evaluated 2025-09-16.

Conditions:
Hyperkalemic periodic paralysis. Also called: Familial hyperkalemic periodic paralysis; Gamstorp disease. Identifiers: Orphanet 682, MedGen C0238357, MONDO:0008224, OMIM 170500, HP:0007215.

Allele frequency attached by ClinVar (database versions not stated): 1000 Genomes Project 30x 0.00016; 1000 Genomes Project 0.00020.
gnomAD v4.1: 8 of 1,598,638 alleles (0.0005%); highest among the groups gnomAD compares: South Asian, 0.0023%; no homozygotes.

Submissions (2):

Labcorp Genetics (formerly Invitae), Labcorp
Classification: Uncertain significance for Hyperkalemic periodic paralysis. Last evaluated: 2025-09-16. Review status: criteria provided, single submitter. Criteria: Invitae Variant Classification Sherloc (09022015). Collection method: clinical testing. Allele origin: germline.
Comment: This sequence change replaces methionine, which is neutral and non-polar, with valine, which is neutral and non-polar, at codon 202 of the SCN4A protein (p.Met202Val). This variant is present in population databases (rs533296078, gnomAD 0.004%). This variant has not been reported in the literature in individuals affected with SCN4A-related conditions. ClinVar contains an entry for this variant (Variation ID: 1995062). Invitae Evidence Modeling of protein sequence and biophysical properties (such as structural, functional, and spatial information, amino acid conservation, physicochemical variation, residue mobility, and thermodynamic stability) indicates that this missense variant is not expected to disrupt SCN4A protein function with a negative predictive value of 95%. In summary, the available evidence is currently insufficient to determine the role of this variant in disease. Therefore, it has been classified as a Variant of Uncertain Significance.

Revvity Omics, Revvity
Classification: Uncertain significance. Last evaluated: 2023-09-18. Review status: criteria provided, single submitter. Criteria: ACMG Guidelines, 2015. Collection method: clinical testing. Allele origin: germline.

NM_000334.4(SCN4A):c.604A>G (p.Met202Val)

Gene: SCN4A (sodium voltage-gated channel alpha subunit 4; minus strand). Cytogenetic location: 17q23.3.
Variant type: single nucleotide variant.
Coding change: c.604A>G on transcript NM_000334.4 (MANE Select); coding-DNA position 604, A replaced by G.
Protein change: p.Met202Val; replaces methionine 202 with valine.
Molecular consequence: missense variant.
Genome position (GRCh38, 1-based): chr17:63,971,729, T>C on the plus strand (A>G on the coding strand, the complement: SCN4A is on the minus strand). VCF-style: chr17-63971729-T-C. GRCh37 (hg19) VCF-style: chr17-62049089-T-C.
Other names: short protein forms M202V.
Identifiers: ClinVar variation 1995062 (VCV001995062.5), dbSNP rs533296078, ClinGen allele CA8710107.
Genomic context (GRCh38, chr17:63,971,729, plus strand): 5'-GCCCCCTCCCCTCACCCACCCCAGCCTCAGGATGTCCTGGGGCCCCTGCTCACGCCATCA[T>C]GATGACACTGAAGTCCAGCCAGTTCCAGGGGTCCCGGAGGAATGTGAAGTCGTCGACACA-3'
Protein context (NP_000325.4, residues 192-212): PWNWLDFSVI[Met202Val]MAYLTEFVDL